The following is an entry in ClinVar:

NM_000016.6(ACADM):c.577A>G (p.Thr193Ala)

Gene: ACADM (acyl-CoA dehydrogenase medium chain; plus strand). Cytogenetic location: 1p31.1.
Variant type: single nucleotide variant.
Coding change: c.577A>G on transcript NM_000016.6 (MANE Select); coding-DNA position 577, A replaced by G.
Protein change: p.Thr193Ala; replaces threonine 193 with alanine.
Molecular consequence: missense variant.
Genome position (GRCh38, 1-based): chr1:75,740,088, A>G. VCF-style: chr1-75740088-A-G. GRCh37 (hg19) VCF-style: chr1-76205773-A-G.
Other names: T168A; c.589A>G, p.Thr197Ala (NM_001127328.3); c.469A>G, p.Thr157Ala (NM_001286042.2); c.676A>G, p.Thr226Ala (NM_001286043.2); c.10A>G, p.Thr4Ala (NM_001286044.2); short protein forms T193A, T197A, T157A, T4A, T226A.
Identifiers: ClinVar variation 3595 (VCV000003595.14), dbSNP rs121434279, ClinGen allele CA252832.

ClinVar aggregate classification (germline): Conflicting classifications of pathogenicity. Review status: criteria provided, conflicting classifications (1 of 4 stars). 5 submissions from 5 submitters: Likely pathogenic (2); Uncertain significance (1). 2 of the submissions do not count toward it. Last evaluated 2026-03-27.

Conditions:
Medium-chain acyl-coenzyme A dehydrogenase deficiency (ACADMD). Also called: CARNITINE DEFICIENCY SECONDARY TO MEDIUM-CHAIN ACYL-CoA DEHYDROGENASE DEFICIENCY; MCADD; ACADM DEFICIENCY; MCAD Deficiency; Medium chain acyl-CoA dehydrogenase deficiency; MCADH DEFICIENCY. Identifiers: Orphanet 42, MedGen C0220710, MONDO:0008721, OMIM 201450.

Submissions (5):

Myriad Genetics, Inc.
Classification: Uncertain significance for Medium-chain acyl-coenzyme A dehydrogenase deficiency. Last evaluated: 2026-03-27. Review status: criteria provided, single submitter. Criteria: Myriad Autosomal Dominant, Autosomal Recessive and X-Linked Classification Criteria (2023). Collection method: clinical testing. Allele origin: unknown.
Comment: NM_000016.4(ACADM):c.577A>G(T193A) is a missense variant classified as a variant of uncertain significance in the context of medium-chain acyl-CoA dehydrogenase deficiency. T193A has been observed in a case with relevant disease (PMID: 9158144). Relevant functional assessments of this variant are not available in the literature. Internal structural analysis of the variant is supportive of pathogenicity. T193A has not been observed in referenced population frequency databases. In summary, there is insufficient evidence to classify NM_000016.4(ACADM):c.577A>G(T193A) as pathogenic or benign. Please note: this variant was assessed in the context of healthy population screening.

Baylor Genetics
Classification: Likely pathogenic for Medium-chain acyl-coenzyme A dehydrogenase deficiency. Last evaluated: 2023-08-14. Review status: criteria provided, single submitter. Criteria: ACMG Guidelines, 2015. Collection method: clinical testing. Allele origin: unknown.

Labcorp Genetics (formerly Invitae), Labcorp
Classification: Likely pathogenic for Medium-chain acyl-coenzyme A dehydrogenase deficiency. Last evaluated: 2020-12-02. Review status: criteria provided, single submitter. Criteria: Invitae Variant Classification Sherloc (09022015). Collection method: clinical testing. Allele origin: germline.
Comment: This variant has been reported to affect ACADM protein function (PMID: 9158144). In summary, the currently available evidence indicates that the variant is pathogenic, but additional data are needed to prove that conclusively. Therefore, this variant has been classified as Likely Pathogenic. This variant has been observed in individual(s) with clinical features of medium-chain acyl-coenzyme A dehydrogenase deficiency (PMID: 9158144, Invitae). In at least one individual the data is consistent with the variant being in trans (on the opposite chromosome) from a pathogenic variant. ClinVar contains an entry for this variant (Variation ID: 3595). This variant is not present in population databases (ExAC no frequency). This sequence change replaces threonine with alanine at codon 193 of the ACADM protein (p.Thr193Ala). The threonine residue is highly conserved and there is a small physicochemical difference between threonine and alanine.

Natera, Inc.
Classification: Likely pathogenic for Medium-chain acyl-coenzyme a dehydrogenase deficiency. Last evaluated: 2020-09-16. Review status: no assertion criteria provided. Collection method: clinical testing. Allele origin: germline. Not counted in ClinVar's aggregate classification.

OMIM
Classification: Pathogenic for MCAD DEFICIENCY. Last evaluated: 1999-01-15. Review status: no assertion criteria provided. Collection method: literature only. Allele origin: germline. Not counted in ClinVar's aggregate classification.

Literature cited by the submitters: PubMed 9158144 (cited by 3 submitters); PubMed 9882619 (cited by OMIM).